The following is an entry in ClinVar:

NM_000138.5(FBN1):c.4337-1G>A

Gene: FBN1 (fibrillin 1; minus strand). Cytogenetic location: 15q21.1.
Variant type: single nucleotide variant.
Coding change: c.4337-1G>A on transcript NM_000138.5 (MANE Select); the canonical splice acceptor site of the intron before coding-DNA position 4337, G replaced by A.
Molecular consequence: splice acceptor variant.
Genome position (GRCh38, 1-based): chr15:48,470,757, C>T on the plus strand (G>A on the coding strand, the complement: FBN1 is on the minus strand). VCF-style: chr15-48470757-C-T. GRCh37 (hg19) VCF-style: chr15-48762954-C-T.
Other names: c.4337-1G>A (NM_001406716.1).
Identifiers: ClinVar variation 495608 (VCV000495608.4), dbSNP rs1555397424, ClinGen allele CA392354863.

ClinVar aggregate classification (germline): Pathogenic/Likely pathogenic. Review status: criteria provided, multiple submitters, no conflicts (2 of 4 stars). 3 submissions from 3 submitters: Pathogenic (2); Likely pathogenic (1). Last evaluated 2025-04-22.

Conditions:
Cardiovascular phenotype. Identifiers: MedGen CN230736.
Marfan Syndrome/Loeys-Dietz Syndrome/Familial Thoracic Aortic Aneurysms and Dissections. Identifiers: MedGen CN229799.
Marfan syndrome (MFS). Also called: MARFAN SYNDROME, TYPE I; FBN1-Related Marfan Syndrome; Marfan syndrome type 1; Marfan's syndrome; Marfan syndrome, classic. Identifiers: Orphanet 284963, Orphanet 558, MedGen C0024796, MONDO:0007947, OMIM 154700.

Submissions (3):

Molecular Diagnostic Laboratory for Inherited Cardiovascular Disease, Montreal Heart Institute
Classification: Pathogenic for Cardiovascular phenotype. Last evaluated: 2025-04-22. Review status: criteria provided, single submitter. Criteria: ACMG Guidelines, 2015. Collection method: clinical testing. Allele origin: germline. Affected: yes.
Comment: PVS1, PM2, PS4_supp, PP4

MGZ Medical Genetics Center
Classification: Likely pathogenic for Marfan syndrome. Last evaluated: 2021-09-24. Review status: criteria provided, single submitter. Criteria: ACMG Guidelines, 2015. Collection method: clinical testing. Allele origin: germline. Affected: yes. Observed: 1 variant allele.
Comment: ACMG criteria applied: PVS1, PM2_SUP

Women's Health and Genetics/Laboratory Corporation of America, LabCorp
Classification: Pathogenic for Marfan Syndrome/Loeys-Dietz Syndrome/Familial Thoracic Aortic Aneurysms and Dissections. Last evaluated: 2016-07-15. Review status: criteria provided, single submitter. Criteria: LabCorp Variant Classification Summary - May 2015. Collection method: clinical testing. Allele origin: germline.
Comment: Variant summary: The FBN1 c.4337-1G>A variant involves the alteration of a conserved intronic nucleotide. Variant is located at one of the EGF-like calcium-binding domains of the Fibrillin protein. One in silico tool predicts a damaging outcome for this variant. 4/4 splice prediction tools predict loss of the canonical splicing acceptor site. ESEfinder predicts changes of binding motifs for RNA splicing enhancers. This variant is absent in 118736 control chromosomes. This variant has been reported in a MFS patient and the resequencing FBN1 complementary DNA obtained from the peripheral blood demonstrated the splicing aberration, resulting in the deletion of 11 nucleotides of exon 35 (Ogawa_2011). Taken together, this variant is classified as pathogenic.

Literature cited by the submitters: PubMed 21907952 (cited by Women's Health and Genetics/Laboratory Corporation of America, LabCorp).